The following is an entry in ClinVar:

ClinVar aggregate classification (germline): Likely benign. Review status: criteria provided, multiple submitters, no conflicts (2 of 4 stars). 5 submissions from 5 submitters: Likely benign (4). 1 of the submissions does not count toward it. Last evaluated 2026-01-27.

Conditions:
Polyglandular autoimmune syndrome, type 1 (APS1). Also called: Autoimmune polyendocrinopathy syndrome, type I; Whitaker syndrome; HYPOADRENOCORTICISM WITH HYPOPARATHYROIDISM AND SUPERFICIAL MONILIASIS; PGA I; AUTOIMMUNE POLYENDOCRINE SYNDROME, TYPE I, WITH OR WITHOUT REVERSIBLE METAPHYSEAL DYSPLASIA; APS I. Identifiers: Orphanet 3453, MedGen C0085859, MONDO:0009411, OMIM 240300.

Allele frequency attached by ClinVar (database versions not stated): 1000 Genomes Project 30x 0.00062; TOPMed 0.00156.
gnomAD v4.1: 367 of 1,612,568 alleles (0.023%); highest among the groups gnomAD compares: African/African-American, 0.44%; 2 homozygotes.

Submissions (5):

Labcorp Genetics (formerly Invitae), Labcorp
Classification: Likely benign for Polyglandular autoimmune syndrome, type 1. Last evaluated: 2026-01-27. Review status: criteria provided, single submitter. Criteria: Invitae Variant Classification Sherloc (09022015). Collection method: clinical testing. Allele origin: germline.

Mayo Clinic Laboratories, Mayo Clinic
Classification: Likely benign. Last evaluated: 2025-10-23. Review status: criteria provided, single submitter. Criteria: ACMG Guidelines, 2015. Collection method: clinical testing. Allele origin: germline. Observed: 1 variant allele.
Comment: BS1, BP4, BP7

Blueprint Genetics
Classification: Likely benign. Last evaluated: 2024-11-15. Review status: criteria provided, single submitter. Criteria: ACMG Guidelines, 2015. Collection method: clinical testing. Allele origin: germline.

Breakthrough Genomics
Classification: Likely benign. Review status: criteria provided, single submitter. Criteria: ACMG Guidelines, 2015. Collection method: not provided. Allele origin: germline. Inheritance: Autosomal recessive inheritance. Affected: yes.

Natera, Inc.
Classification: Benign for Polyglandular autoimmune syndrome type 1. Last evaluated: 2019-10-21. Review status: no assertion criteria provided. Collection method: clinical testing. Allele origin: germline. Not counted in ClinVar's aggregate classification.

NM_000383.4(AIRE):c.798C>G (p.Pro266=)

Gene: AIRE (autoimmune regulator; plus strand). Cytogenetic location: 21q22.3.
Variant type: single nucleotide variant.
Coding change: c.798C>G on transcript NM_000383.4 (MANE Select); coding-DNA position 798, C replaced by G.
Protein change: p.Pro266=; no amino-acid change (proline 266 retained).
Molecular consequence: synonymous variant.
Genome position (GRCh38, 1-based): chr21:44,289,802, C>G. VCF-style: chr21-44289802-C-G. GRCh37 (hg19) VCF-style: chr21-45709685-C-G.
Other names: p.Pro266=.
Identifiers: ClinVar variation 790228 (VCV000790228.16), dbSNP rs41277550, ClinGen allele CA10051711.